The following is an entry in ClinVar:

NM_005619.5(RTN2):c.377A>T (p.Asp126Val)

Genes: RTN2 (reticulon 2; minus strand), OPA3-RTN2 (OPA3-RTN2 readthrough; minus strand). Cytogenetic location: 19q13.32.
Variant type: single nucleotide variant.
Coding change: c.377A>T on transcript NM_005619.5 (MANE Select); coding-DNA position 377, A replaced by T.
Protein change: p.Asp126Val; replaces aspartic acid 126 with valine.
Molecular consequence: missense variant.
Genome position (GRCh38, 1-based): chr19:45,494,708, T>A on the plus strand (A>T on the coding strand, the complement: RTN2 is on the minus strand). VCF-style: chr19-45494708-T-A. GRCh37 (hg19) VCF-style: chr19-45997966-T-A.
Other names: c.377A>T, p.Asp126Val (NM_206900.3); short protein forms D126V.
Identifiers: ClinVar variation 4071765 (VCV004071765.1).

ClinVar aggregate classification (germline): Uncertain significance (1 of 4 stars; one submission).

Submission:

GeneDx
Classification: Uncertain significance. Last evaluated: 2025-01-22. Review status: criteria provided, single submitter. Criteria: GeneDx Variant Classification Process June 2021. Collection method: clinical testing. Allele origin: germline. Affected: yes.
Comment: Not observed at significant frequency in large population cohorts (gnomAD); In silico analysis indicates that this missense variant does not alter protein structure/function; Has not been previously published as pathogenic or benign to our knowledge